The following is an entry in ClinVar:

ClinVar aggregate classification (germline): Uncertain significance (1 of 4 stars; one submission).

Conditions:
Emery-Dreifuss muscular dystrophy 4, autosomal dominant (EDMD4). Also called: EMERY-DREIFUSS MUSCULAR DYSTROPHY 4 WITH VARIABLE FEATURES. Identifiers: Orphanet 261, MedGen C2751807, MONDO:0013071, OMIM 612998.
Autosomal recessive ataxia, Beauce type. Also called: Spinocerebellar ataxia, autosomal recessive 8; ATAXIA, RECESSIVE, OF BEAUCE; SYNE1 Deficiency; SYNE1-Related Autosomal Recessive Cerebellar Ataxia. Identifiers: Orphanet 88644, MedGen C1853116, MONDO:0012549, OMIM 610743.

Allele frequency attached by ClinVar (database versions not stated): gnomAD exomes 0.00001 and 0.00003; TOPMed 0.00002; gnomAD 0.00003; ExAC 0.00004; ESP Exome Variant Server 0.00008.
gnomAD v4.1: 15 of 1,613,960 alleles (0.00093%); highest among the groups gnomAD compares: Non-Finnish European, 0.00025%; no homozygotes.

Submission:

Labcorp Genetics (formerly Invitae), Labcorp
Classification: Uncertain significance for Emery-Dreifuss muscular dystrophy 4, autosomal dominant; Autosomal recessive ataxia, Beauce type. Last evaluated: 2022-02-10. Review status: criteria provided, single submitter. Criteria: Invitae Variant Classification Sherloc (09022015). Collection method: clinical testing. Allele origin: germline.
Comment: This variant has not been reported in the literature in individuals affected with SYNE1-related conditions. In summary, the available evidence is currently insufficient to determine the role of this variant in disease. Therefore, it has been classified as a Variant of Uncertain Significance. Algorithms developed to predict the effect of missense changes on protein structure and function are either unavailable or do not agree on the potential impact of this missense change (SIFT: "Deleterious"; PolyPhen-2: "Possibly Damaging"; Align-GVGD: "Class C0"). This variant is present in population databases (rs140360127, gnomAD 0.06%). This sequence change replaces glutamic acid, which is acidic and polar, with glutamine, which is neutral and polar, at codon 6532 of the SYNE1 protein (p.Glu6532Gln).

NM_182961.4(SYNE1):c.19807G>C (p.Glu6603Gln)

Gene: SYNE1 (spectrin repeat containing nuclear envelope protein 1; minus strand). Cytogenetic location: 6q25.2.
Variant type: single nucleotide variant.
Coding change: c.19807G>C on transcript NM_182961.4 (MANE Select); coding-DNA position 19807, G replaced by C.
Protein change: p.Glu6603Gln; replaces glutamic acid 6603 with glutamine.
Molecular consequence: missense variant.
Genome position (GRCh38, 1-based): chr6:152,242,326, C>G on the plus strand (G>C on the coding strand, the complement: SYNE1 is on the minus strand). VCF-style: chr6-152242326-C-G. GRCh37 (hg19) VCF-style: chr6-152563461-C-G.
Other names: c.19594G>C, p.Glu6532Gln (NM_033071.5); short protein forms E6532Q, E6603Q.
Identifiers: ClinVar variation 1509827 (VCV001509827.8), dbSNP rs140360127, ClinGen allele CA4054573.